The following is an entry in ClinVar:

NM_004991.4(MECOM):c.2664G>C (p.Glu888Asp)

Gene: MECOM (MDS1 and EVI1 complex locus; minus strand). Cytogenetic location: 3q26.2.
Variant type: single nucleotide variant.
Coding change: c.2664G>C on transcript NM_004991.4 (MANE Select); coding-DNA position 2664, G replaced by C.
Protein change: p.Glu888Asp; replaces glutamic acid 888 with aspartic acid.
Molecular consequence: missense variant.
Genome position (GRCh38, 1-based): chr3:169,102,167, C>G on the plus strand (G>C on the coding strand, the complement: MECOM is on the minus strand). VCF-style: chr3-169102167-C-G. GRCh37 (hg19) VCF-style: chr3-168819955-C-G.
Other names: c.2295G>C, p.Glu765Asp (NM_001105077.4); c.2100G>C, p.Glu700Asp (NM_001105078.4, NM_001205194.2, NM_001366469.2 and 1 more transcripts); c.2076G>C, p.Glu692Asp (NM_001163999.2, NM_001366470.2); c.2073G>C, p.Glu691Asp (NM_001164000.2, NM_001366471.2, NM_001366472.2); c.2637G>C, p.Glu879Asp (NM_001366466.2); c.2103G>C, p.Glu701Asp (NM_001366467.2, NM_001366468.2); c.1665G>C, p.Glu555Asp (NM_001366473.2); c.1101G>C, p.Glu367Asp (NM_001366474.2); and 1 more; short protein forms E367D, E691D, E692D, E888D, E701D, E765D, E700D, E879D.
Identifiers: ClinVar variation 2098031 (VCV002098031.5), dbSNP rs1450702771, ClinGen allele CA355079614.

ClinVar aggregate classification (germline): Uncertain significance. Review status: criteria provided, multiple submitters, no conflicts (2 of 4 stars). 2 submissions from 2 submitters: Uncertain significance (2). Last evaluated 2025-11-29.

Conditions:
Inborn genetic diseases. Identifiers: MedGen C0950123, MeSH D030342.

Allele frequency attached by ClinVar (database versions not stated): gnomAD exomes below 0.00001; TOPMed below 0.00001.
gnomAD v4.1: 3 of 1,613,882 alleles (0.00019%); highest among the groups gnomAD compares: East Asian, 0.0067%; no homozygotes.

Submissions (2):

Ambry Genetics
Classification: Uncertain significance for Inborn genetic diseases. Last evaluated: 2025-11-29. Review status: criteria provided, single submitter. Criteria: Ambry Variant Classification Scheme 2023. Collection method: clinical testing. Allele origin: germline.
Comment: The p.E888D variant (also known as c.2664G>C), located in coding exon 11 of the MECOM gene, results from a G to C substitution at nucleotide position 2664. The glutamic acid at codon 888 is replaced by aspartic acid, an amino acid with highly similar properties. This amino acid position is conserved. In addition, this alteration is predicted to be tolerated by in silico analysis. Based on the available evidence, the clinical significance of this variant remains unclear.

Labcorp Genetics (formerly Invitae), Labcorp
Classification: Uncertain significance. Last evaluated: 2022-06-12. Review status: criteria provided, single submitter. Criteria: Invitae Variant Classification Sherloc (09022015). Collection method: clinical testing. Allele origin: germline.
Comment: In summary, the available evidence is currently insufficient to determine the role of this variant in disease. Therefore, it has been classified as a Variant of Uncertain Significance. Algorithms developed to predict the effect of missense changes on protein structure and function output the following: SIFT: "Tolerated"; PolyPhen-2: "Benign"; Align-GVGD: "Class C0". The aspartic acid amino acid residue is found in multiple mammalian species, which suggests that this missense change does not adversely affect protein function. This variant has not been reported in the literature in individuals affected with MECOM-related conditions. This variant is present in population databases (no rsID available, gnomAD 0.01%). This sequence change replaces glutamic acid, which is acidic and polar, with aspartic acid, which is acidic and polar, at codon 700 of the MECOM protein (p.Glu700Asp).